The following is an entry in ClinVar:

NM_001323289.2(CDKL5):c.1891A>G (p.Ile631Val)

Gene: CDKL5 (cyclin dependent kinase like 5; plus strand). Cytogenetic location: Xp22.13.
Variant type: single nucleotide variant.
Coding change: c.1891A>G on transcript NM_001323289.2 (MANE Select); coding-DNA position 1891, A replaced by G.
Protein change: p.Ile631Val; replaces isoleucine 631 with valine.
Molecular consequence: missense variant.
Genome position (GRCh38, 1-based): chrX:18,604,815, A>G. VCF-style: chrX-18604815-A-G. GRCh37 (hg19) VCF-style: chrX-18622935-A-G.
Other names: c.1891A>G, p.Ile631Val (NM_001037343.2, NM_003159.3); short protein forms I631V.
Identifiers: ClinVar variation 568711 (VCV000568711.9), dbSNP rs1569219817, ClinGen allele CA412363685.
Genomic context (GRCh38, chrX:18,604,815, plus strand): 5'-CATTCTATGTATGTGACCCGTGACAAAGTGAGAGCCAAGGGCTTGGATGGAAGCTTGAGC[A>G]TAGGGCAAGGGATGGCAGCTAGAGCCAACAGCCTGCAACTCTTGTCACCCCAGGTACAGT-3'
Protein context (NP_001310218.1, residues 621-641): RAKGLDGSLS[Ile631Val]GQGMAARANS

ClinVar aggregate classification (germline): Uncertain significance (1 of 4 stars; one submission).

Conditions:
Developmental and epileptic encephalopathy, 2 (DEE2). Also called: INFANTILE SPASM SYNDROME, X-LINKED 2; CDKL5 deficiency disorder. Identifiers: Orphanet 1934, Orphanet 3451, Orphanet 505652, MedGen C4750718, MONDO:0010396, OMIM 300672.
Angelman syndrome-like. Identifiers: MedGen CN128785.

Allele frequency attached by ClinVar (database versions not stated): TOPMed 0.00001.
gnomAD v4.1: 1 of 1,211,717 alleles (0.000083%); no homozygotes.

Submission:

Labcorp Genetics (formerly Invitae), Labcorp
Classification: Uncertain significance for Developmental and epileptic encephalopathy, 2; Angelman syndrome-like. Last evaluated: 2023-11-06. Review status: criteria provided, single submitter. Criteria: Invitae Variant Classification Sherloc (09022015). Collection method: clinical testing. Allele origin: germline.
Comment: This sequence change replaces isoleucine, which is neutral and non-polar, with valine, which is neutral and non-polar, at codon 631 of the CDKL5 protein (p.Ile631Val). This variant is not present in population databases (gnomAD no frequency). This variant has not been reported in the literature in individuals affected with CDKL5-related conditions. ClinVar contains an entry for this variant (Variation ID: 568711). Advanced modeling of protein sequence and biophysical properties (such as structural, functional, and spatial information, amino acid conservation, physicochemical variation, residue mobility, and thermodynamic stability) performed at Invitae indicates that this missense variant is not expected to disrupt CDKL5 protein function with a negative predictive value of 95%. In summary, the available evidence is currently insufficient to determine the role of this variant in disease. Therefore, it has been classified as a Variant of Uncertain Significance.